The following is an entry in ClinVar:

ClinVar aggregate classification (germline): Pathogenic (1 of 4 stars; one submission).

Conditions:
Waardenburg syndrome type 4C (WS4C). Also called: WAARDENBURG SYNDROME WITH HIRSCHSPRUNG DISEASE, TYPE 4C. Identifiers: Orphanet 897, MedGen C2750452, MONDO:0013202, OMIM 613266.

Submission:

Institute of Rare Diseases, West China Hospital, Sichuan University
Classification: Pathogenic for Waardenburg syndrome type 4C. Last evaluated: 2025-01-09. Review status: criteria provided, single submitter. Criteria: ClinGen HL ACMG Specifications v1. Collection method: research. Allele origin: germline. Affected: yes.
Comment: PM1;PVS1;PS2;PP4;PM2_Supporting

NM_006941.4(SOX10):c.332dup (p.Met112fs)

Genes: POLR2F (RNA polymerase II, I and III subunit F; plus strand), SOX10 (SRY-box transcription factor 10; minus strand). Cytogenetic location: 22q13.1.
Variant type: Duplication.
Coding change: c.332dup on transcript NM_006941.4 (MANE Select); coding-DNA position 332, one base duplicated (T; older notation c.332dupT).
Protein change: p.Met112fs; shifts the reading frame from methionine 112.
Molecular consequence: frameshift variant. On other transcripts: intron variant (3).
Genome position (GRCh38, 1-based): chr22:37,983,453, A duplicated on the plus strand (T on the coding strand, the reverse complement: SOX10 is on the minus strand); the first of 2 consecutive A bases (chr22:37,983,453-37,983,454); duplicating either gives the same sequence. VCF-style (leftmost placement, unchanged base first): chr22-37983452-G-GA. GRCh37 (hg19) VCF-style: chr22-38379459-G-GA.
Other names: c.*38+11144dup (NM_001363825.1); c.294-2700dup (NM_001301130.2); c.293+16284dup (NM_001301131.2); short protein forms M112fs.
Identifiers: ClinVar variation 3601820 (VCV003601820.1).